The following is an entry in ClinVar:

NM_001008212.2(OPTN):c.986_990del (p.Arg329fs)

Gene: OPTN (optineurin; plus strand). Cytogenetic location: 10p13.
Variant type: Deletion.
Coding change: c.986_990del on transcript NM_001008212.2 (MANE Select); coding-DNA positions 986 to 990, 5 bases deleted (GACTT; older notation c.986_990delGACTT).
Protein change: p.Arg329fs; shifts the reading frame from arginine 329.
Molecular consequence: frameshift variant.
Genome position (GRCh38, 1-based): chr10:13,124,098-13,124,102, GACTT deleted. VCF-style (leftmost placement, unchanged base first): chr10-13124097-AGACTT-A. GRCh37 (hg19) VCF-style: chr10-13166097-AGACTT-A.
Other names: c.986_990del, p.Arg329fs (NM_001008211.1, NM_001008213.1, NM_021980.4); short protein forms R329fs.
Identifiers: ClinVar variation 1451918 (VCV001451918.6), dbSNP rs778911925, ClinGen allele CA5410818.

ClinVar aggregate classification (germline): Pathogenic (1 of 4 stars; one submission).

Conditions:
Amyotrophic lateral sclerosis type 12 (ALS12). Also called: AMYOTROPHIC LATERAL SCLEROSIS 12 WITH OR WITHOUT FRONTOTEMPORAL DEMENTIA. Identifiers: Orphanet 803, MedGen C3150692, MONDO:0013264, OMIM 613435.
Primary open angle glaucoma (POAG). Also called: OPTN-related open angle glaucoma. Identifiers: MedGen C0339573, MONDO:0100553, OMIM 137760.
Glaucoma 1, open angle, E. Identifiers: MedGen C1842026, MONDO:0007665.

Allele frequency attached by ClinVar (database versions not stated): gnomAD exomes below 0.00001; TOPMed below 0.00001; ExAC 0.00001.

Submission:

Labcorp Genetics (formerly Invitae), Labcorp
Classification: Pathogenic for Primary open angle glaucoma; Glaucoma 1, open angle, E; Amyotrophic lateral sclerosis type 12. Last evaluated: 2025-12-23. Review status: criteria provided, single submitter. Criteria: Invitae Variant Classification Sherloc (09022015). Collection method: clinical testing. Allele origin: germline.
Comment: This sequence change creates a premature translational stop signal (p.Arg329Thrfs*8) in the OPTN gene. It is expected to result in an absent or disrupted protein product. Loss-of-function variants in OPTN are known to be pathogenic (PMID: 20428114). This variant is present in population databases (rs778911925, gnomAD 0.0009%). This variant has not been reported in the literature in individuals affected with OPTN-related conditions. ClinVar contains an entry for this variant (Variation ID: 1451918). For these reasons, this variant has been classified as Pathogenic.

Literature cited by the submitters: PubMed 20428114.